The following is an entry in ClinVar:

NM_000431.4(MVK):c.227-655T>A

Gene: MVK (mevalonate kinase; plus strand). Cytogenetic location: 12q24.11.
Variant type: single nucleotide variant.
Coding change: c.227-655T>A on transcript NM_000431.4 (MANE Select); 655 bases into the intron before coding-DNA position 227, T replaced by A.
Molecular consequence: intron variant.
Genome position (GRCh38, 1-based): chr12:109,579,147, T>A. VCF-style: chr12-109579147-T-A. GRCh37 (hg19) VCF-style: chr12-110016952-T-A.
Other names: c.227-655T>A (NM_001414511.1, NM_001414512.1, NM_001414513.1 and 3 more transcripts); c.-356-655T>A (NM_001414515.1).
Identifiers: ClinVar variation 2628189 (VCV002628189.2), dbSNP rs10774779, ClinGen allele CA6779197.

ClinVar aggregate classification (germline): Benign (1 of 4 stars; one submission).

Allele frequency attached by ClinVar (database versions not stated): gnomAD exomes 0.34659; 1000 Genomes Project 0.35383; 1000 Genomes Project 30x 0.43254; gnomAD 0.43724; TOPMed 0.44902; ExAC 0.50809.

Submission:

Unidad de Genómica Garrahan, Hospital de Pediatría Garrahan
Classification: Benign. Last evaluated: 2023-11-12. Review status: criteria provided, single submitter. Criteria: ACMG Guidelines, 2015. Collection method: clinical testing. Allele origin: germline. Affected: no. Observed: 45 variant alleles.
Comment: This variant is classified as Benign based on local population frequency. This variant was detected in 47% of patients studied by a panel of primary immunodeficiencies. Number of patients: 45. Only high quality variants are reported.